The following is an entry in ClinVar:

NM_001278716.2(FBXL4):c.1104-19T>C

Gene: FBXL4 (F-box and leucine rich repeat protein 4; minus strand). Cytogenetic location: 6q16.1.
Variant type: single nucleotide variant.
Coding change: c.1104-19T>C on transcript NM_001278716.2 (MANE Select); 19 bases into the intron before coding-DNA position 1104, T replaced by C.
Molecular consequence: intron variant.
Genome position (GRCh38, 1-based): chr6:98,899,500, A>G on the plus strand (T>C on the coding strand, the complement: FBXL4 is on the minus strand). VCF-style: chr6-98899500-A-G. GRCh37 (hg19) VCF-style: chr6-99347376-A-G.
Other names: c.1104-19T>C (NM_012160.5).
Identifiers: ClinVar variation 437692 (VCV000437692.4), dbSNP rs765527736, ClinGen allele CA3933524.
Genomic context (GRCh38, chr6:98,899,500, plus strand): 5'-AATTCAAGGCGTACTAATTCGGATCCACAAACCTTCAGAAACCTGCCAAAACAACATTCT[A>G]TGTGAATTTTATAAAACTAAAAGATATTTTTGCAAGAACTTTGGAATTTTAGCAACTCTA-3'

ClinVar aggregate classification (germline): Conflicting classifications of pathogenicity. Review status: criteria provided, conflicting classifications (1 of 4 stars). 2 submissions from 2 submitters: Uncertain significance (1); Likely benign (1). Last evaluated 2023-11-15.

Conditions:
Mitochondrial DNA depletion syndrome 13. Also called: FBXL4-Related Encephalomyopathic Mitochondrial DNA Depletion Syndrome; Mitochondrial DNA depletion syndrome 13 (encephalomyopathic type). Identifiers: Orphanet 369897, MedGen C3809592, MONDO:0014198, OMIM 615471.

Allele frequency attached by ClinVar (database versions not stated): TOPMed 0.00002; ExAC 0.00003; gnomAD 0.00003.
gnomAD v4.1: 12 of 1,601,518 alleles (0.00075%); highest among the groups gnomAD compares: East Asian, 0.022%; no homozygotes.

Submissions (2):

Labcorp Genetics (formerly Invitae), Labcorp
Classification: Likely benign. Last evaluated: 2023-11-15. Review status: criteria provided, single submitter. Criteria: Invitae Variant Classification Sherloc (09022015). Collection method: clinical testing. Allele origin: germline.

Wong Mito Lab, Molecular and Human Genetics, Baylor College of Medicine
Classification: Uncertain significance for Mitochondrial DNA depletion syndrome 13. Last evaluated: 2017-08-10. Review status: criteria provided, single submitter. Criteria: ACMG Guidelines, 2015. Collection method: reference population. Allele origin: germline.
Comment: The NM_012160.4:c.1104-19T>C (NP_036292.2:p.=) [GRCH38: NC_000006.12:g.98899500A>G] variant in FBXL4 gene is interpretated to be a Uncertain Significance - Insufficient Evidence based on ACMG guidelines (PMID: 25741868). This variant meets one or more of the following evidence codes reported in the ACMG-guideline. PM2:This variant is absent in key population databases. PP3:Computational evidence/predictors indicate the variant has deleterious effect on FBXL4 structure, function, or protein-protein interaction. Based on this evidence code ClinGen Pathogenicity Calculator (PMID:28081714) suggested that the variant is Uncertain Significance - Insufficient Evidence.